The following is an entry in ClinVar:

ClinVar aggregate classification (germline): Uncertain significance (1 of 4 stars; one submission).

Conditions:
Dilated cardiomyopathy 1HH (CMD1HH). Identifiers: Orphanet 154, MedGen C3151293, MONDO:0013479, OMIM 613881.
Myofibrillar myopathy 6. Identifiers: Orphanet 199340, MedGen C2751831, MONDO:0013061, OMIM 612954.

Submission:

Labcorp Genetics (formerly Invitae), Labcorp
Classification: Uncertain significance for Dilated cardiomyopathy 1HH; Myofibrillar myopathy 6. Last evaluated: 2022-10-13. Review status: criteria provided, single submitter. Criteria: Invitae Variant Classification Sherloc (09022015). Collection method: clinical testing. Allele origin: germline.
Comment: This sequence change creates a premature translational stop signal (p.Thr568Argfs*5) in the BAG3 gene. While this is not anticipated to result in nonsense mediated decay, it is expected to disrupt the last 8 amino acid(s) of the BAG3 protein. This variant is not present in population databases (gnomAD no frequency). This variant has not been reported in the literature in individuals affected with BAG3-related conditions. Experimental studies and prediction algorithms are not available or were not evaluated, and the functional significance of this variant is currently unknown. In summary, the available evidence is currently insufficient to determine the role of this variant in disease. Therefore, it has been classified as a Variant of Uncertain Significance.

NM_004281.4(BAG3):c.1699_1702dup (p.Thr568fs)

Gene: BAG3 (BAG cochaperone 3; plus strand). Cytogenetic location: 10q26.11.
Variant type: Microsatellite.
Coding change: c.1699_1702dup on transcript NM_004281.4 (MANE Select); coding-DNA positions 1699 to 1702, 4 bases duplicated (GACA; older notation c.1699_1702dupGACA).
Protein change: p.Thr568fs; shifts the reading frame from threonine 568.
Molecular consequence: frameshift variant.
Genome position (GRCh38, 1-based): chr10:119,677,253-119,677,256, GACA duplicated; duplicating any 4 consecutive bases within chr10:119,677,249-119,677,256 gives the same sequence; the c. name uses the placement nearest the transcript's 3' end. VCF-style (leftmost placement, unchanged base first): chr10-119677248-T-TGACA. GRCh37 (hg19) VCF-style: chr10-121436760-T-TGACA.
Other names: short protein forms T568fs.
Identifiers: ClinVar variation 1466841 (VCV001466841.6), dbSNP rs2134069586, ClinGen allele CA2580616878.